The following is an entry in ClinVar:

NM_006506.5(RASA2):c.876_877delinsTT (p.Gln292_Pro293delinsHisSer)

Gene: RASA2 (RAS p21 protein activator 2; plus strand). Cytogenetic location: 3q23.
Variant type: Indel.
Coding change: c.876_877delinsTT on transcript NM_006506.5 (MANE Select); coding-DNA positions 876 to 877, GC replaced by TT.
Protein change: p.Gln292_Pro293delinsHisSer.
Molecular consequence: missense variant.
Genome position (GRCh38, 1-based): chr3:141,570,924-141,570,925, GC replaced by TT. VCF-style: chr3-141570924-GC-TT. GRCh37 (hg19) VCF-style: chr3-141289766-GC-TT.
Other names: c.876_877delinsTT, p.Gln292_Pro293delinsHisSer (NM_001303245.3, NM_001303246.3).
Identifiers: ClinVar variation 2964849 (VCV002964849.3), dbSNP rs2478708571, ClinGen allele CA2740091028.

ClinVar aggregate classification (germline): Uncertain significance (1 of 4 stars; one submission).

Submission:

Labcorp Genetics (formerly Invitae), Labcorp
Classification: Uncertain significance. Last evaluated: 2025-07-02. Review status: criteria provided, single submitter. Criteria: Invitae Variant Classification Sherloc (09022015). Collection method: clinical testing. Allele origin: germline.
Comment: This variant, c.876_877delinsTT, is a complex sequence change that results in the deletion of 2 and insertion of 2 amino acid(s) in the RASA2 protein (p.Gln292_Pro293delinsHisSer). Information on the frequency of this variant in the gnomAD database is not available, as this variant may be reported differently in the database. This variant has not been reported in the literature in individuals affected with RASA2-related conditions. ClinVar contains an entry for this variant (Variation ID: 2964849). Experimental studies and prediction algorithms are not available or were not evaluated, and the functional significance of this variant is currently unknown. In summary, the available evidence is currently insufficient to determine the role of this variant in disease. Therefore, it has been classified as a Variant of Uncertain Significance.